The following is an entry in ClinVar:

ClinVar aggregate classification (germline): Uncertain significance (1 of 4 stars; one submission).

Allele frequency attached by ClinVar (database versions not stated): gnomAD exomes 0.00004; TOPMed 0.00006; gnomAD 0.00007; ExAC 0.00013; 1000 Genomes Project 0.00060; 1000 Genomes Project 30x 0.00094.

Submission:

Labcorp Genetics (formerly Invitae), Labcorp
Classification: Uncertain significance. Last evaluated: 2023-05-09. Review status: criteria provided, single submitter. Criteria: Invitae Variant Classification Sherloc (09022015). Collection method: clinical testing. Allele origin: germline.
Comment: In summary, the available evidence is currently insufficient to determine the role of this variant in disease. Therefore, it has been classified as a Variant of Uncertain Significance. Variants that disrupt the consensus splice site are a relatively common cause of aberrant splicing (PMID: 17576681, 9536098). Algorithms developed to predict the effect of sequence changes on RNA splicing suggest that this variant may disrupt the consensus splice site. This variant is present in population databases (rs531344596, gnomAD 0.09%), and has an allele count higher than expected for a pathogenic variant. This variant has not been reported in the literature in individuals affected with AKR1C4-related conditions. This sequence change falls in intron 8 of the AKR1C4 gene. It does not directly change the encoded amino acid sequence of the AKR1C4 protein. It affects a nucleotide within the consensus splice site.

Literature cited by the submitters: PubMed 17576681; PubMed 9536098.

NM_001818.5(AKR1C4):c.929+5del

Gene: AKR1C4 (aldo-keto reductase family 1 member C4; plus strand). Cytogenetic location: 10p15.1.
Variant type: Deletion.
Coding change: c.929+5del on transcript NM_001818.5 (MANE Select); 5 bases into the intron after coding-DNA position 929, one base deleted (G; older notation c.929+5delG).
Molecular consequence: intron variant.
Genome position (GRCh38, 1-based): chr10:5,216,798, G deleted. VCF-style (leftmost placement, unchanged base first): chr10-5216797-AG-A. GRCh37 (hg19) VCF-style: chr10-5258760-AG-A.
Identifiers: ClinVar variation 2891070 (VCV002891070.3), dbSNP rs531344596, ClinGen allele CA5391643.